The following is an entry in ClinVar:

ClinVar aggregate classification (germline): Conflicting classifications of pathogenicity. Review status: criteria provided, conflicting classifications (1 of 4 stars). 3 submissions from 3 submitters: Uncertain significance (1); Likely benign (1). 1 of the submissions does not count toward it. Last evaluated 2025-10-01.

Conditions:
RPGRIP1L-related disorder. Also called: RPGRIP1L-related condition; RPGRIP1L-related disorders. Identifiers: MedGen CN239416.

Allele frequency attached by ClinVar (database versions not stated): gnomAD 0.00010; TOPMed 0.00013; 1000 Genomes Project 30x 0.00016; ExAC 0.00016; gnomAD exomes 0.00016.
gnomAD v4.1: 116 of 702,824 alleles (0.017%); highest among the groups gnomAD compares: Middle Eastern, 0.092%; no homozygotes.

Submissions (3):

CeGaT Center for Human Genetics Tuebingen
Classification: Uncertain significance. Last evaluated: 2025-10-01. Review status: criteria provided, single submitter. Criteria: CeGaT Center For Human Genetics Tuebingen Variant Classification Criteria Version 2. Collection method: clinical testing. Allele origin: germline. Affected: yes. Observed: 1 variant allele.
Comment: RPGRIP1L: PM2, BP4

Blueprint Genetics
Classification: Likely benign. Last evaluated: 2024-11-27. Review status: criteria provided, single submitter. Criteria: ACMG Guidelines, 2015. Collection method: clinical testing. Allele origin: germline.

PreventionGenetics, part of Exact Sciences
Classification: Uncertain significance for RPGRIP1L-related condition. Last evaluated: 2024-02-23. Review status: no assertion criteria provided. Collection method: clinical testing. Allele origin: germline. Not counted in ClinVar's aggregate classification.
Comment: The RPGRIP1L c.358T>C variant is predicted to result in the amino acid substitution p.Cys120Arg. This variant corresponds to a deep intronic position in the primary transcript of RPGRIP1L (NM_015272.4:c.230+820T>C). To our knowledge, this variant has not been reported in the literature. This variant is reported in 0.036% of alleles in individuals of South Asian descent in gnomAD. At this time, the clinical significance of this variant is uncertain due to the absence of conclusive functional and genetic evidence.

NM_015272.5(RPGRIP1L):c.230+820T>C

Gene: RPGRIP1L (RPGRIP1 like; minus strand). Cytogenetic location: 16q12.2.
Variant type: single nucleotide variant.
Coding change: c.230+820T>C on transcript NM_015272.5 (MANE Select); 820 bases into the intron after coding-DNA position 230, T replaced by C.
Molecular consequence: intron variant. On other transcripts: missense variant (1).
Genome position (GRCh38, 1-based): chr16:53,695,331, A>G on the plus strand (T>C on the coding strand, the complement: RPGRIP1L is on the minus strand). VCF-style: chr16-53695331-A-G. GRCh37 (hg19) VCF-style: chr16-53729243-A-G.
Other names: c.358T>C, p.Cys120Arg (NM_001328422.2); c.230+820T>C (NM_001127897.4, NM_001330538.2, NM_001308334.3); short protein forms C120R.
Identifiers: ClinVar variation 3041828 (VCV003041828.9), dbSNP rs777725262, ClinGen allele CA8058172.